The following is an entry in ClinVar:

ClinVar aggregate classification (germline): Conflicting classifications of pathogenicity. Review status: criteria provided, conflicting classifications (1 of 4 stars). 3 submissions from 3 submitters: Uncertain significance (2); Likely benign (1). Last evaluated 2025-07-07.

Conditions:
DiGeorge syndrome. Also called: Catch22; THIRD AND FOURTH PHARYNGEAL POUCH SYNDROME. Identifiers: Orphanet 567, MedGen C0012236, MONDO:0008564, OMIM 188400.
Cardiovascular phenotype. Identifiers: MedGen CN230736.

Allele frequency attached by ClinVar (database versions not stated): gnomAD 0.00001; gnomAD exomes 0.00002 and 0.00019; TOPMed 0.00004; ExAC 0.00031.
gnomAD v4.1: 25 of 1,482,356 alleles (0.0017%); highest among the groups gnomAD compares: Admixed American, 0.046%; no homozygotes.

Submissions (3):

Labcorp Genetics (formerly Invitae), Labcorp
Classification: Likely benign for DiGeorge syndrome. Last evaluated: 2025-07-07. Review status: criteria provided, single submitter. Criteria: Invitae Variant Classification Sherloc (09022015). Collection method: clinical testing. Allele origin: germline.

Ambry Genetics
Classification: Uncertain significance for Cardiovascular phenotype. Last evaluated: 2024-05-04. Review status: criteria provided, single submitter. Criteria: Ambry Variant Classification Scheme 2023. Collection method: clinical testing. Allele origin: germline.
Comment: The p.P405S variant (also known as c.1213C>T), located in coding exon 8 of the TBX1 gene, results from a C to T substitution at nucleotide position 1213. The proline at codon 405 is replaced by serine, an amino acid with similar properties. This amino acid position is conserved. In addition, this alteration is predicted to be tolerated by in silico analysis. Since supporting evidence is limited at this time, the clinical significance of this alteration remains unclear.

GeneDx
Classification: Uncertain significance. Last evaluated: 2023-03-06. Review status: criteria provided, single submitter. Criteria: GeneDx Variant Classification Process June 2021. Collection method: clinical testing. Allele origin: germline. Affected: yes.
Comment: In silico analysis supports that this missense variant does not alter protein structure/function; Has not been previously published as pathogenic or benign to our knowledge

NM_001379200.1(TBX1):c.1240C>T (p.Pro414Ser)

Gene: TBX1 (T-box transcription factor 1; plus strand). Cytogenetic location: 22q11.21.
Variant type: single nucleotide variant.
Coding change: c.1240C>T on transcript NM_001379200.1 (MANE Select); coding-DNA position 1240, C replaced by T.
Protein change: p.Pro414Ser; replaces proline 414 with serine.
Molecular consequence: missense variant. On other transcripts: intron variant (2).
Genome position (GRCh38, 1-based): chr22:19,766,592, C>T. VCF-style: chr22-19766592-C-T. GRCh37 (hg19) VCF-style: chr22-19754115-C-T.
Other names: c.1213C>T, p.Pro405Ser (NM_080647.1); c.1009+590C>T (NM_005992.1, NM_080646.2); short protein forms P405S, P414S.
Identifiers: ClinVar variation 726364 (VCV000726364.16), dbSNP rs757648761, ClinGen allele CA10102676.